The following is an entry in ClinVar:

NM_000289.6(PFKM):c.1808G>A (p.Arg603Gln)

Gene: PFKM (phosphofructokinase, muscle; plus strand). Cytogenetic location: 12q13.11.
Variant type: single nucleotide variant.
Coding change: c.1808G>A on transcript NM_000289.6 (MANE Select); coding-DNA position 1808, G replaced by A.
Protein change: p.Arg603Gln; replaces arginine 603 with glutamine.
Molecular consequence: missense variant. On other transcripts: non-coding transcript variant (6).
Genome position (GRCh38, 1-based): chr12:48,142,936, G>A. VCF-style: chr12-48142936-G-A. GRCh37 (hg19) VCF-style: chr12-48536719-G-A.
Other names: c.2021G>A, p.Arg674Gln (NM_001166686.2, NM_001354737.1, NM_001354738.1 and 1 more transcripts); c.1808G>A, p.Arg603Gln (NM_001166687.2, NM_001166688.2, NM_001354742.2 and 2 more transcripts); c.2117G>A, p.Arg706Gln (NM_001354735.1, NM_001354736.1); c.1952G>A, p.Arg651Gln (NM_001354740.1); c.1832G>A, p.Arg611Gln (NM_001354741.2); c.1721G>A, p.Arg574Gln (NM_001354745.2); c.1682G>A, p.Arg561Gln (NM_001354746.2); c.1658G>A, p.Arg553Gln (NM_001354747.2, NM_001354748.2); and 2 more; short protein forms R553Q, R611Q, R574Q, R674Q, R603Q, R651Q, R706Q, R561Q.
Identifiers: ClinVar variation 2169783 (VCV002169783.2), dbSNP rs748975915, ClinGen allele CA6537438.

ClinVar aggregate classification (germline): Uncertain significance. Review status: criteria provided, multiple submitters, no conflicts (2 of 4 stars). 2 submissions from 2 submitters: Uncertain significance (2). Last evaluated 2024-02-28.

Conditions:
Inborn genetic diseases. Identifiers: MedGen C0950123, MeSH D030342.
Glycogen storage disease, type VII (GSD7). Also called: TARUI DISEASE; MUSCLE PHOSPHOFRUCTOKINASE DEFICIENCY; PFKM DEFICIENCY; GSD VII. Identifiers: Orphanet 371, MedGen C0017926, MONDO:0009295, OMIM 232800.

Allele frequency attached by ClinVar (database versions not stated): ExAC 0.00001; gnomAD exomes 0.00002; TOPMed 0.00002.
gnomAD v4.1: 26 of 1,613,704 alleles (0.0016%); highest among the groups gnomAD compares: Non-Finnish European, 0.0021%; no homozygotes.

Submissions (2):

Ambry Genetics
Classification: Uncertain significance for Inborn genetic diseases. Last evaluated: 2024-02-28. Review status: criteria provided, single submitter. Criteria: Ambry Variant Classification Scheme 2023. Collection method: clinical testing. Allele origin: germline.

Labcorp Genetics (formerly Invitae), Labcorp
Classification: Uncertain significance for Glycogen storage disease, type VII. Last evaluated: 2022-08-03. Review status: criteria provided, single submitter. Criteria: Invitae Variant Classification Sherloc (09022015). Collection method: clinical testing. Allele origin: germline.
Comment: This sequence change replaces arginine, which is basic and polar, with glutamine, which is neutral and polar, at codon 603 of the PFKM protein (p.Arg603Gln). This variant is present in population databases (rs748975915, gnomAD 0.003%). This variant has not been reported in the literature in individuals affected with PFKM-related conditions. Algorithms developed to predict the effect of missense changes on protein structure and function (SIFT, PolyPhen-2, Align-GVGD) all suggest that this variant is likely to be tolerated. In summary, the available evidence is currently insufficient to determine the role of this variant in disease. Therefore, it has been classified as a Variant of Uncertain Significance.